The following is an entry in ClinVar:

ClinVar aggregate classification (germline): Conflicting classifications of pathogenicity. Review status: criteria provided, conflicting classifications (1 of 4 stars). 3 submissions from 3 submitters: Uncertain significance (1); Likely benign (2). Last evaluated 2024-08-05.

Conditions:
Neurodevelopmental disorder with hypotonia, stereotypic hand movements, and impaired language. Also called: Intellectual disability, autosomal dominant 20. Identifiers: Orphanet 228384, Orphanet 664410, MedGen C3150700, MONDO:0013266, OMIM 613443.

Allele frequency attached by ClinVar (database versions not stated): gnomAD exomes 0.00001 and 0.00003; TOPMed 0.00001; ExAC 0.00002; gnomAD 0.00002.
gnomAD v4.1: 42 of 1,613,886 alleles (0.0026%); highest among the groups gnomAD compares: African/African-American, 0.0053%; no homozygotes.

Submissions (3):

Labcorp Genetics (formerly Invitae), Labcorp
Classification: Likely benign for Neurodevelopmental disorder with hypotonia, stereotypic hand movements, and impaired language. Last evaluated: 2024-08-05. Review status: criteria provided, single submitter. Criteria: Invitae Variant Classification Sherloc (09022015). Collection method: clinical testing. Allele origin: germline.

CeGaT Center for Human Genetics Tuebingen
Classification: Likely benign. Last evaluated: 2023-09-01. Review status: criteria provided, single submitter. Criteria: CeGaT Center For Human Genetics Tuebingen Variant Classification Criteria Version 2. Collection method: clinical testing. Allele origin: germline. Affected: yes. Observed: 1 variant allele.
Comment: MEF2C: BP4, BP7

Eurofins Ntd Llc (ga)
Classification: Uncertain significance. Last evaluated: 2015-03-31. Review status: criteria provided, single submitter. Criteria: EGL Classification Definitions 2015. Collection method: clinical testing. Allele origin: germline. Observed: 1 variant allele, 1 heterozygote.

NM_002397.5(MEF2C):c.489A>G (p.Ser163=)

Gene: MEF2C (myocyte enhancer factor 2C; minus strand). Cytogenetic location: 5q14.3.
Variant type: single nucleotide variant.
Coding change: c.489A>G on transcript NM_002397.5 (MANE Select); coding-DNA position 489, A replaced by G.
Protein change: p.Ser163=; no amino-acid change (serine 163 retained).
Molecular consequence: synonymous variant.
Genome position (GRCh38, 1-based): chr5:88,751,957, T>C on the plus strand (A>G on the coding strand, the complement: MEF2C is on the minus strand). VCF-style: chr5-88751957-T-C. GRCh37 (hg19) VCF-style: chr5-88047774-T-C.
Other names: c.483A>G, p.Ser161= (NM_001131005.2, NM_001364343.2, NM_001364352.2); c.543A>G, p.Ser181= (NM_001193347.1, NM_001364338.2); c.345A>G, p.Ser115= (NM_001193348.1, NM_001193349.3, NM_001364332.2 and 3 more transcripts); c.489A>G, p.Ser163= (NM_001193350.2, NM_001308002.3, NM_001363581.2 and 18 more transcripts); c.111A>G, p.Ser37= (NM_001364353.2, NM_001364356.2); c.63A>G, p.Ser21= (NM_001364357.2).
Identifiers: ClinVar variation 197741 (VCV000197741.39), dbSNP rs781632867, ClinGen allele CA246052.
Genomic context (GRCh38, chr5:88,751,957, plus strand): 5'-AGACATACTATTCCTCTGCAGAGAAGGGTGAGCCAGTGGCAATAGGTTGGGGTTTCCCAG[T>C]GAGCTGACAGGGTTGCTGTACACCAAACTGTTGTGGCTGGACACTGGGATGGAGACTGGC-3'
Protein context (NP_002388.2, residues 153-173): NSLVYSNPVS[Ser163=]LGNPNLLPLA